The following is an entry in ClinVar:

ClinVar aggregate classification (germline): Pathogenic (1 of 4 stars; one submission).

Submission:

Labcorp Genetics (formerly Invitae), Labcorp
Classification: Pathogenic. Last evaluated: 2022-11-19. Review status: criteria provided, single submitter. Criteria: Invitae Variant Classification Sherloc (09022015). Collection method: clinical testing. Allele origin: unknown.
Comment: For these reasons, this variant has been classified as Pathogenic. This variant disrupts a region of the SAR1B protein in which other variant(s) (p.Arg148*) have been determined to be pathogenic (Invitae). This suggests that this is a clinically significant region of the protein, and that variants that disrupt it are likely to be disease-causing. This variant has not been reported in the literature in individuals affected with SAR1B-related conditions. This variant is a gross deletion of the genomic region encompassing exon(s) 5-7 of the SAR1B gene. While this deletion is not anticipated to lead to nonsense mediated decay, it is expected to disrupt the C-terminus of the protein.

NC_000005.9:g.(?_133944042)_(133948466_?)del

Gene: SAR1B (secretion associated Ras related GTPase 1B; minus strand). Cytogenetic location: 5q31.1.
Variant type: Deletion.
Identifiers: ClinVar variation 3246455 (VCV003246455.1).